The following is an entry in ClinVar:

ClinVar aggregate classification (germline): Uncertain significance (1 of 4 stars; one submission).

gnomAD v4.1: 1 of 1,613,606 alleles (0.000062%); highest among the groups gnomAD compares: Non-Finnish European, 0.000085%; no homozygotes.

Submission:

GeneDx
Classification: Uncertain significance. Last evaluated: 2023-04-12. Review status: criteria provided, single submitter. Criteria: GeneDx Variant Classification Process June 2021. Collection method: clinical testing. Allele origin: germline. Affected: yes.
Comment: Not observed at significant frequency in large population cohorts (gnomAD); In silico analysis supports that this missense variant has a deleterious effect on protein structure/function; Missense variants in this gene are often considered pathogenic (HGMD); This substitution is predicted to be within the extracellular loop between the S5 and S6 transmembrane segments of the third homologous domain.; Has not been previously published as pathogenic or benign to our knowledge

NM_001040142.2(SCN2A):c.4095T>G (p.His1365Gln)

Gene: SCN2A (sodium voltage-gated channel alpha subunit 2; plus strand). Cytogenetic location: 2q24.3.
Variant type: single nucleotide variant.
Coding change: c.4095T>G on transcript NM_001040142.2 (MANE Select); coding-DNA position 4095, T replaced by G.
Protein change: p.His1365Gln; replaces histidine 1365 with glutamine.
Molecular consequence: missense variant.
Genome position (GRCh38, 1-based): chr2:165,374,807, T>G. VCF-style: chr2-165374807-T-G. GRCh37 (hg19) VCF-style: chr2-166231317-T-G.
Other names: c.4095T>G, p.His1365Gln (NM_001040143.2, NM_001371246.1, NM_001371247.1 and 1 more transcripts); short protein forms H1365Q.
Identifiers: ClinVar variation 2663195 (VCV002663195.1), dbSNP rs2105373121, ClinGen allele CA349030815.